The following is an entry in ClinVar:

ClinVar aggregate classification (germline): Likely pathogenic (1 of 4 stars; one submission).

Conditions:
Developmental delay, behavioral abnormalities, and neuropsychiatric disorders (DEDBANP). Identifiers: MedGen C5774224, MONDO:0859292, OMIM 620065.

gnomAD v4.1: 1 of 1,614,078 alleles (0.000062%); highest among the groups gnomAD compares: Non-Finnish European, 0.000085%; no homozygotes.

Submission:

Variantyx, Inc.
Classification: Likely pathogenic for Developmental delay, behavioral abnormalities, and neuropsychiatric disorders. Last evaluated: 2025-09-10. Review status: criteria provided, single submitter. Criteria: Variantyx Assertion Criteria 2022. Collection method: clinical testing. Allele origin: germline. Inheritance: Autosomal dominant inheritance. Affected: yes.
Comment: This is a nonsense variant in the ADGRL1 gene (OMIM: 616416). Pathogenic variants in this gene have been associated with autosomal dominant developmental delay, behavioral abnormalities, and neuropsychiatric disorders. This variant introduces a premature termination codon in exon 14 out of 23 and is expected to result in loss of function, which is a known disease mechanism for ADGRL1 in this disorder (PMID: 35907405) (PVS1). This variant has a 0.0001% maximum allele frequency in non-founder control populations (PM2). Based on the current evidence, this variant is classified as likely pathogenic for autosomal dominant developmental delay, behavioral abnormalities, and neuropsychiatric disorders.

Literature cited by the submitters: PubMed 35907405.

NM_014921.5(ADGRL1):c.2737C>T (p.Gln913Ter)

Genes: ADGRL1 (adhesion G protein-coupled receptor L1; minus strand), ADGRL1-AS1 (ADGRL1 antisense RNA 1; plus strand). Cytogenetic location: 19p13.12.
Variant type: single nucleotide variant.
Coding change: c.2737C>T on transcript NM_014921.5 (MANE Select); coding-DNA position 2737, C replaced by T.
Protein change: p.Gln913Ter; replaces glutamine 913 with a stop codon.
Molecular consequence: nonsense.
Genome position (GRCh38, 1-based): chr19:14,157,259, G>A on the plus strand (C>T on the coding strand, the complement: ADGRL1 is on the minus strand). VCF-style: chr19-14157259-G-A. GRCh37 (hg19) VCF-style: chr19-14268071-G-A.
Other names: c.2752C>T, p.Gln918Ter (NM_001008701.3); short protein forms Q913*, Q918*.
Identifiers: ClinVar variation 4850771 (VCV004850771.1).